The following is an entry in ClinVar:

NM_133379.5(TTN):c.15252T>C (p.Tyr5084=)

Gene: TTN (titin; minus strand). Cytogenetic location: 2q31.2.
Variant type: single nucleotide variant.
Coding change: c.15252T>C on transcript NM_133379.5; coding-DNA position 15252, T replaced by C.
Protein change: p.Tyr5084=; no amino-acid change (tyrosine 5084 retained).
Molecular consequence: synonymous variant. On other transcripts: intron variant (6).
Genome position (GRCh38, 1-based): chr2:178,747,148, A>G on the plus strand (T>C on the coding strand, the complement: TTN is on the minus strand). VCF-style: chr2-178747148-A-G. GRCh37 (hg19) VCF-style: chr2-179611875-A-G.
Other names: p.Y5084Y:TAT>TAC; c.10360+5976T>C (NM_133378.4); c.10361-5227T>C (NM_001256850.1); c.10223-5227T>C (NM_003319.4); c.10799-5227T>C (NM_133437.4); c.10598-5227T>C (NM_133432.3); c.11312-5227T>C (NM_001267550.2).
Identifiers: ClinVar variation 47781 (VCV000047781.10), dbSNP rs61233923, ClinGen allele CA284485.

ClinVar aggregate classification (germline): Benign. Review status: criteria provided, multiple submitters, no conflicts (2 of 4 stars). 4 submissions from 4 submitters: Benign (4). Last evaluated 2016-11-15.

Allele frequency attached by ClinVar (database versions not stated): gnomAD exomes 0.00169; ExAC 0.00417; ESP Exome Variant Server 0.03168; gnomAD 0.03649 and 0.03860; 1000 Genomes Project 0.03974.
gnomAD v4.1: 7,146 of 1,574,636 alleles (0.45%); highest among the groups gnomAD compares: African/African-American, 10%; 421 homozygotes.

Submissions (4):

Eurofins Ntd Llc (ga)
Classification: Benign. Last evaluated: 2016-11-15. Review status: criteria provided, single submitter. Criteria: EGL Classification Definitions 2015. Collection method: clinical testing. Allele origin: germline. Observed: 13 variant alleles, 10 heterozygotes, 1 homozygote.

GeneDx
Classification: Benign. Last evaluated: 2014-01-21. Review status: criteria provided, single submitter. Criteria: GeneDx Variant Classification (06012015). Collection method: clinical testing. Allele origin: germline. Affected: yes.
Comment: This variant is considered likely benign or benign based on one or more of the following criteria: it is a conservative change, it occurs at a poorly conserved position in the protein, it is predicted to be benign by multiple in silico algorithms, and/or has population frequency not consistent with disease.

Laboratory for Molecular Medicine, Mass General Brigham Personalized Medicine
Classification: Benign. Last evaluated: 2012-04-11. Review status: criteria provided, single submitter. Criteria: LMM Criteria. Collection method: clinical testing. Allele origin: germline. Observed: 12 variant alleles.
Comment: Tyr5084Tyr in exon 45A of TTN: This variant is not expected to have clinical sig nificance because it does not alter an amino acid residue and has been identifie d in 10.3% (385/3738) of African American chromosomes from a broad population by the NHLBI Exome Sequencing Project (dbSNP rs 61233923).

Breakthrough Genomics
Classification: Benign. Review status: criteria provided, single submitter. Criteria: ACMG Guidelines, 2015. Collection method: not provided. Allele origin: germline. Inheritance: Autosomal recessive inheritance. Affected: yes.